The following is an entry in ClinVar:

ClinVar aggregate classification (germline): Likely pathogenic (1 of 4 stars; one submission).

Conditions:
Autosomal recessive nonsyndromic hearing loss 77. Identifiers: Orphanet 90636, MedGen C2746083, MONDO:0013119, OMIM 613079.

Submission:

Natera, Inc.
Classification: Likely pathogenic for Autosomal recessive deafness type 77. Last evaluated: 2024-11-15. Review status: criteria provided, single submitter. Criteria: Natera Variant Classification Schema (03/2026). Collection method: clinical testing. Allele origin: germline.
Comment: The c.4592dupA variant in LOXHD1 is a frameshift variant predicted to shift the reading frame beginning at codon 1531 and leads to a stop codon 2 codons downstream. This variant is expected to result in nonsense mediated decay, truncation, or a dysfunctional protein product. This variant is rare in the general population with a frequency below the threshold expected for the associated phenotype(s). Given the available evidence, this variant is classified as Likely Pathogenic.

NM_001384474.1(LOXHD1):c.4592dup (p.His1531fs)

Gene: LOXHD1 (lipoxygenase homology PLAT domains 1; minus strand). Cytogenetic location: 18q21.1.
Variant type: Duplication.
Coding change: c.4592dup on transcript NM_001384474.1 (MANE Select); coding-DNA position 4592, one base duplicated (A; older notation c.4592dupA).
Protein change: p.His1531fs; shifts the reading frame from histidine 1531.
Molecular consequence: frameshift variant.
Genome position (GRCh38, 1-based): chr18:46,524,856, T duplicated on the plus strand (A on the coding strand, the reverse complement: LOXHD1 is on the minus strand). VCF-style (leftmost placement, unchanged base first): chr18-46524855-A-AT. GRCh37 (hg19) VCF-style: chr18-44104818-A-AT.
Other names: c.1259dup, p.His420fs (NM_001145472.3); c.971dup, p.His324fs (NM_001308013.2); c.4592dup, p.His1531fs (NM_144612.7); short protein forms H1531fs, H324fs, H420fs.
Identifiers: ClinVar variation 4816827 (VCV004816827.1).